The following is an entry in ClinVar:

NM_001371928.1(AHDC1):c.1228G>A (p.Glu410Lys)

Gene: AHDC1 (AT-hook DNA binding motif containing 1; minus strand). Cytogenetic location: 1p36.11.
Variant type: single nucleotide variant.
Coding change: c.1228G>A on transcript NM_001371928.1 (MANE Select); coding-DNA position 1228, G replaced by A.
Protein change: p.Glu410Lys; replaces glutamic acid 410 with lysine.
Molecular consequence: missense variant.
Genome position (GRCh38, 1-based): chr1:27,550,888, C>T on the plus strand (G>A on the coding strand, the complement: AHDC1 is on the minus strand). VCF-style: chr1-27550888-C-T. GRCh37 (hg19) VCF-style: chr1-27877399-C-T.
Other names: c.1228G>A, p.Glu410Lys (NM_001029882.3); short protein forms E410K.
Identifiers: ClinVar variation 1936792 (VCV001936792.5), dbSNP rs761143012, ClinGen allele CA715987.

ClinVar aggregate classification (germline): Uncertain significance (1 of 4 stars; one submission).

Allele frequency attached by ClinVar (database versions not stated): gnomAD 0.00001; TOPMed 0.00001; ExAC 0.00002.
gnomAD v4.1: 7 of 1,586,908 alleles (0.00044%); highest among the groups gnomAD compares: African/African-American, 0.0027%; no homozygotes.

Submission:

Labcorp Genetics (formerly Invitae), Labcorp
Classification: Uncertain significance. Last evaluated: 2022-06-29. Review status: criteria provided, single submitter. Criteria: Invitae Variant Classification Sherloc (09022015). Collection method: clinical testing. Allele origin: germline.
Comment: This sequence change replaces glutamic acid, which is acidic and polar, with lysine, which is basic and polar, at codon 410 of the AHDC1 protein (p.Glu410Lys). The frequency data for this variant in the population databases is considered unreliable, as metrics indicate poor data quality at this position in the gnomAD database. This variant has not been reported in the literature in individuals affected with AHDC1-related conditions. Algorithms developed to predict the effect of missense changes on protein structure and function are either unavailable or do not agree on the potential impact of this missense change (SIFT: "Deleterious"; PolyPhen-2: "Benign"; Align-GVGD: "Class C0"). In summary, the available evidence is currently insufficient to determine the role of this variant in disease. Therefore, it has been classified as a Variant of Uncertain Significance.